The following is an entry in ClinVar:

ClinVar aggregate classification (germline): Uncertain significance (1 of 4 stars; one submission).

Allele frequency attached by ClinVar (database versions not stated): gnomAD exomes below 0.00001.
gnomAD v4.1: 1 of 1,614,236 alleles (0.000062%); highest among the groups gnomAD compares: Non-Finnish European, 0.000085%; no homozygotes.

Submission:

Labcorp Genetics (formerly Invitae), Labcorp
Classification: Uncertain significance. Last evaluated: 2023-07-12. Review status: criteria provided, single submitter. Criteria: Invitae Variant Classification Sherloc (09022015). Collection method: clinical testing. Allele origin: germline.
Comment: In summary, the available evidence is currently insufficient to determine the role of this variant in disease. Therefore, it has been classified as a Variant of Uncertain Significance. Advanced modeling of protein sequence and biophysical properties (such as structural, functional, and spatial information, amino acid conservation, physicochemical variation, residue mobility, and thermodynamic stability) performed at Invitae indicates that this missense variant is not expected to disrupt FLNB protein function. This variant has not been reported in the literature in individuals affected with FLNB-related conditions. This variant is not present in population databases (gnomAD no frequency). This sequence change replaces glycine, which is neutral and non-polar, with aspartic acid, which is acidic and polar, at codon 561 of the FLNB protein (p.Gly561Asp).

NM_001457.4(FLNB):c.1682G>A (p.Gly561Asp)

Gene: FLNB (filamin B; plus strand). Cytogenetic location: 3p14.3.
Variant type: single nucleotide variant.
Coding change: c.1682G>A on transcript NM_001457.4 (MANE Select); coding-DNA position 1682, G replaced by A.
Protein change: p.Gly561Asp; replaces glycine 561 with aspartic acid.
Molecular consequence: missense variant.
Genome position (GRCh38, 1-based): chr3:58,105,151, G>A. VCF-style: chr3-58105151-G-A. GRCh37 (hg19) VCF-style: chr3-58090878-G-A.
Other names: c.1682G>A, p.Gly561Asp (NM_001164317.2, NM_001164318.2, NM_001164319.2); short protein forms G561D.
Identifiers: ClinVar variation 2742337 (VCV002742337.3), dbSNP rs2471072841, ClinGen allele CA353339220.